The following is an entry in ClinVar:

ClinVar aggregate classification (germline): Benign. Review status: criteria provided, multiple submitters, no conflicts (2 of 4 stars). 2 submissions from 2 submitters: Benign (2). Last evaluated 2018-06-18.

Allele frequency attached by ClinVar (database versions not stated): gnomAD 0.20663 and 0.21214; gnomAD exomes 0.20914; TOPMed 0.22144; 1000 Genomes Project 0.26917; 1000 Genomes Project 30x 0.27577.
gnomAD v4.1: 294,120 of 1,404,790 alleles (21%); highest among the groups gnomAD compares: Admixed American, 37%; 32,899 homozygotes.

Submissions (2):

GeneDx
Classification: Benign. Last evaluated: 2018-06-18. Review status: criteria provided, single submitter. Criteria: GeneDx Variant Classification (06012015). Collection method: clinical testing. Allele origin: germline. Affected: yes.
Comment: This variant is considered likely benign or benign based on one or more of the following criteria: it is a conservative change, it occurs at a poorly conserved position in the protein, it is predicted to be benign by multiple in silico algorithms, and/or has population frequency not consistent with disease.

Breakthrough Genomics
Classification: Benign. Review status: criteria provided, single submitter. Criteria: ACMG Guidelines, 2015. Collection method: not provided. Allele origin: germline. Inheritance: Autosomal dominant inheritance. Affected: yes.

NM_003036.4(SKI):c.1211+64C>T

Gene: SKI (SKI proto-oncogene; plus strand). Cytogenetic location: 1p36.32.
Variant type: single nucleotide variant.
Coding change: c.1211+64C>T on transcript NM_003036.4 (MANE Select); 64 bases into the intron after coding-DNA position 1211, C replaced by T.
Molecular consequence: intron variant.
Genome position (GRCh38, 1-based): chr1:2,303,464, C>T. VCF-style: chr1-2303464-C-T. GRCh37 (hg19) VCF-style: chr1-2234903-C-T.
Identifiers: ClinVar variation 673794 (VCV000673794.2), dbSNP rs2256178, ClinGen allele CA10829785.